The following is an entry in ClinVar:

ClinVar aggregate classification (germline): Uncertain significance (0 of 4 stars; one submission).

Conditions:
DCHS1-related disorder. Also called: DCHS1-related condition.

Submission:

PreventionGenetics, part of Exact Sciences
Classification: Uncertain significance for DCHS1-related condition. Last evaluated: 2024-03-19. Review status: no assertion criteria provided. Collection method: clinical testing. Allele origin: germline.
Comment: The DCHS1 c.8933delC variant is predicted to result in a frameshift and premature protein termination (p.Ala2978Glufs*4). To our knowledge, this variant has not been reported in the literature or in a large population database, indicating this variant is rare. This variant is located in the last exon and other truncating variants in the 5' and 3' regions surrounding this variant have not been reported to be pathogenic in the literature (HGMD database). Although we suspect that this variant may be pathogenic, at this time, the clinical significance of this variant is uncertain due to the absence of conclusive functional and genetic evidence.

NM_003737.4(DCHS1):c.8933del (p.Ala2978fs)

Gene: DCHS1 (dachsous cadherin-related 1; minus strand). Cytogenetic location: 11p15.4.
Variant type: Deletion.
Coding change: c.8933del on transcript NM_003737.4 (MANE Select); coding-DNA position 8933, one base deleted (C; older notation c.8933delC).
Protein change: p.Ala2978fs; shifts the reading frame from alanine 2978.
Molecular consequence: frameshift variant.
Genome position (GRCh38, 1-based): chr11:6,622,743, G deleted on the plus strand (C on the coding strand, the reverse complement: DCHS1 is on the minus strand). VCF-style (leftmost placement, unchanged base first): chr11-6622742-TG-T. GRCh37 (hg19) VCF-style: chr11-6643973-TG-T.
Other names: short protein forms A2978fs.
Identifiers: ClinVar variation 3349247 (VCV003349247.1).